The following is an entry in ClinVar:

ClinVar aggregate classification (germline): Likely benign. Review status: criteria provided, multiple submitters, no conflicts (2 of 4 stars). 4 submissions from 4 submitters: Likely benign (4). Last evaluated 2025-11-10.

Conditions:
Familial thoracic aortic aneurysm and aortic dissection (TAAD). Also called: Thoracic aortic aneurysms and dissections. Identifiers: Orphanet 91387, MedGen C4707243, MONDO:0019625.
Aortic aneurysm, familial thoracic 4 (AAT4). Also called: AORTIC ANEURYSM/AORTIC DISSECTION AND PATENT DUCTUS ARTERIOSUS. Identifiers: MedGen C1851504, MONDO:0007568, OMIM 132900.

Allele frequency attached by ClinVar (database versions not stated): gnomAD exomes below 0.00001; TOPMed below 0.00001.
gnomAD v4.1: 5 of 1,614,070 alleles (0.00031%); highest among the groups gnomAD compares: Non-Finnish European, 0.00042%; no homozygotes.

Submissions (4):

Labcorp Genetics (formerly Invitae), Labcorp
Classification: Likely benign for Aortic aneurysm, familial thoracic 4. Last evaluated: 2025-11-10. Review status: criteria provided, single submitter. Criteria: Invitae Variant Classification Sherloc (09022015). Collection method: clinical testing. Allele origin: germline.

All of Us Research Program, National Institutes of Health
Classification: Likely benign for Familial thoracic aortic aneurysm and aortic dissection. Last evaluated: 2024-02-22. Review status: criteria provided, single submitter. Criteria: ACMG Guidelines, 2015. Collection method: clinical testing. Allele origin: germline. Inheritance: Autosomal dominant inheritance. Observed: 3 variant alleles, 3 heterozygotes.
Comment: This study involves interpretation of variants in research participants for the purpose of population health screening. Participant phenotype was not available at the time of variant classification. Additional details can be found in publication PMID: 35346344, PMCID: PMC8962531

Color Diagnostics, LLC DBA Color Health
Classification: Likely benign for Familial thoracic aortic aneurysm and aortic dissection. Last evaluated: 2019-03-19. Review status: criteria provided, single submitter. Criteria: ACMG Guidelines, 2015. Collection method: clinical testing. Allele origin: germline.

Ambry Genetics
Classification: Likely benign for Familial thoracic aortic aneurysm and aortic dissection. Last evaluated: 2017-07-25. Review status: criteria provided, single submitter. Criteria: Ambry Variant Classification Scheme 2023. Collection method: clinical testing. Allele origin: germline.

NM_002474.3(MYH11):c.3462G>A (p.Glu1154=)

Gene: MYH11 (myosin heavy chain 11; minus strand). Cytogenetic location: 16p13.11.
Variant type: single nucleotide variant.
Coding change: c.3462G>A on transcript NM_002474.3 (MANE Select); coding-DNA position 3462, G replaced by A.
Protein change: p.Glu1154=; no amino-acid change (glutamic acid 1154 retained).
Molecular consequence: synonymous variant.
Genome position (GRCh38, 1-based): chr16:15,735,410, C>T on the plus strand (G>A on the coding strand, the complement: MYH11 is on the minus strand). VCF-style: chr16-15735410-C-T. GRCh37 (hg19) VCF-style: chr16-15829267-C-T.
Other names: c.3483G>A, p.Glu1161= (NM_001040113.2, NM_001040114.2); c.3462G>A, p.Glu1154= (NM_022844.3).
Identifiers: ClinVar variation 519941 (VCV000519941.18), dbSNP rs1555556543, ClinGen allele CA493776983.